The following is an entry in ClinVar:

NM_006267.5(RANBP2):c.3766C>G (p.Pro1256Ala)

Gene: RANBP2 (RAN binding protein 2; plus strand). Cytogenetic location: 2q13.
Variant type: single nucleotide variant.
Coding change: c.3766C>G on transcript NM_006267.5 (MANE Select); coding-DNA position 3766, C replaced by G.
Protein change: p.Pro1256Ala; replaces proline 1256 with alanine.
Molecular consequence: missense variant.
Genome position (GRCh38, 1-based): chr2:108,764,305, C>G. VCF-style: chr2-108764305-C-G. GRCh37 (hg19) VCF-style: chr2-109380761-C-G.
Other names: short protein forms P1256A.
Identifiers: ClinVar variation 1805992 (VCV001805992.2), dbSNP rs2467618429, ClinGen allele CA348063401.

ClinVar aggregate classification (germline): Uncertain significance (1 of 4 stars; one submission).

Conditions:
Familial acute necrotizing encephalopathy (IIAE3). Also called: Susceptibility to Acute Necrotizing Encephalopathy 1; ENCEPHALOPATHY, ACUTE, INFECTION-INDUCED, SUSCEPTIBILITY TO, 3. Identifiers: Orphanet 88619, MedGen C2675556, MONDO:0011953, OMIM 608033.

Allele frequency attached by ClinVar (database versions not stated): gnomAD exomes below 0.00001.
gnomAD v4.1: 1 of 1,613,752 alleles (0.000062%); highest among the groups gnomAD compares: Non-Finnish European, 0.000085%; no homozygotes.

Submission:

Victorian Clinical Genetics Services, Murdoch Childrens Research Institute
Classification: Uncertain significance for Familial acute necrotizing encephalopathy. Last evaluated: 2023-07-17. Review status: criteria provided, single submitter. Criteria: ACMG Guidelines, 2015. Collection method: clinical testing. Allele origin: germline. Inheritance: Autosomal dominant inheritance. Affected: yes.
Comment: Based on the classification scheme VCGS_Germline_v1.3.4, this variant is classified as VUS-3B. Following criteria are met: 0105 - The mechanism of disease for this gene is not clearly established. (I) 0107 - This gene is associated with autosomal dominant disease. (I) 0112 - The condition associated with this gene has incomplete penetrance (PMID: 19118815). (I) 0200 - Variant is predicted to result in a missense amino acid change from proline to alanine. (I) 0251 - This variant is heterozygous. (I) 0301 - Variant is absent from gnomAD (both v2 and v3). (SP) 0502 - Missense variant with conflicting in silico predictions and uninformative conservation. (I) 0600 - Variant is located in the annotated RanBP1 domain (DECIPHER). (I) 0705 - No comparable missense variants have previous evidence for pathogenicity. (I) 0807 - This variant has no previous evidence of pathogenicity. (I) 0905 - No published segregation evidence has been identified for this variant. (I) 1007 - No published functional evidence has been identified for this variant. (I) 1102 - Strong phenotype match for this individual. (I) Legend: (SP) - Supporting pathogenic, (I) - Information, (SB) - Supporting benign

Literature cited by the submitters: PubMed 19118815.